The following is an entry in ClinVar:

NM_020699.4(GATAD2B):c.256C>T (p.His86Tyr)

Gene: GATAD2B (GATA zinc finger domain containing 2B; minus strand). Cytogenetic location: 1q21.3.
Variant type: single nucleotide variant.
Coding change: c.256C>T on transcript NM_020699.4 (MANE Select); coding-DNA position 256, C replaced by T.
Protein change: p.His86Tyr; replaces histidine 86 with tyrosine.
Molecular consequence: missense variant.
Genome position (GRCh38, 1-based): chr1:153,828,092, G>A on the plus strand (C>T on the coding strand, the complement: GATAD2B is on the minus strand). VCF-style: chr1-153828092-G-A. GRCh37 (hg19) VCF-style: chr1-153800568-G-A.
Other names: short protein forms H86Y.
Identifiers: ClinVar variation 1961132 (VCV001961132.5), dbSNP rs2525291272, ClinGen allele CA342540273.

ClinVar aggregate classification (germline): Uncertain significance (1 of 4 stars; one submission).

Allele frequency attached by ClinVar (database versions not stated): gnomAD exomes below 0.00001.

Submission:

Labcorp Genetics (formerly Invitae), Labcorp
Classification: Uncertain significance. Last evaluated: 2024-02-05. Review status: criteria provided, single submitter. Criteria: Invitae Variant Classification Sherloc (09022015). Collection method: clinical testing. Allele origin: germline.
Comment: This sequence change replaces histidine, which is basic and polar, with tyrosine, which is neutral and polar, at codon 86 of the GATAD2B protein (p.His86Tyr). This variant is not present in population databases (gnomAD no frequency). This variant has not been reported in the literature in individuals affected with GATAD2B-related conditions. ClinVar contains an entry for this variant (Variation ID: 1961132). Advanced modeling of protein sequence and biophysical properties (such as structural, functional, and spatial information, amino acid conservation, physicochemical variation, residue mobility, and thermodynamic stability) performed at Invitae indicates that this missense variant is not expected to disrupt GATAD2B protein function with a negative predictive value of 80%. In summary, the available evidence is currently insufficient to determine the role of this variant in disease. Therefore, it has been classified as a Variant of Uncertain Significance.